The following is an entry in ClinVar:

ClinVar aggregate classification (germline): Pathogenic/Likely pathogenic. Review status: criteria provided, multiple submitters, no conflicts (2 of 4 stars). 11 submissions from 11 submitters: Pathogenic (7); Likely pathogenic (1). 3 of the submissions do not count toward it. Last evaluated 2026-04-21.

Conditions:
TYRP1-related disorder. Also called: TYRP1-related condition.
Oculocutaneous albinism type 3 (OCA3). Also called: ALBINISM III; Albinism, oculocutaneous, type III; Rufous OCA; Rufous albinism; RUFOUS OCULOCUTANEOUS ALBINISM; XANTHISM. Identifiers: Orphanet 79433, MedGen C0342683, MONDO:0008747, OMIM 203290.
MELANESIAN BLOND HAIR (SHEP11). Also called: Skin/hair/eye pigmentation, variation in, 11; SKIN/HAIR/EYE PIGMENTATION 11, BLUE/NONBLUE EYES. Identifiers: MedGen C2677086, OMIM 612271.

Submissions (11):

PreventionGenetics, part of Exact Sciences
Classification: Pathogenic for TYRP1-related condition. Last evaluated: 2026-04-21. Review status: criteria provided, single submitter. Criteria: ACMG Guidelines, 2015. Collection method: clinical testing. Allele origin: germline.
Comment: The TYRP1 c.1057_1060delAACA variant is predicted to result in a frameshift and premature protein termination (p.Asn353Valfs*31). This variant has been reported in individuals with oculocutaneous albinism (see for examples: Rooryck et al. 2008. PubMed ID: 18821858; Chiang et al. 2009. PubMed ID: 19533799). This variant is present in 0.020% of alleles in individuals of South Asian descent in gnomAD. Frameshift variants in TYRP1 are an established mechanism of disease. Given the evidence, we interpret this variant as pathogenic.

Labcorp Genetics (formerly Invitae), Labcorp
Classification: Pathogenic. Last evaluated: 2026-01-27. Review status: criteria provided, single submitter. Criteria: Invitae Variant Classification Sherloc (09022015). Collection method: clinical testing. Allele origin: germline.
Comment: This sequence change creates a premature translational stop signal (p.Asn353Valfs*31) in the TYRP1 gene. It is expected to result in an absent or disrupted protein product. Loss-of-function variants in TYRP1 are known to be pathogenic (PMID: 8651291, 9345097). This variant is present in population databases (rs752724988, gnomAD 0.02%). This premature translational stop signal has been observed in individual(s) with oculocutaneous albinism (PMID: 18821858, 19533799). ClinVar contains an entry for this variant (Variation ID: 17598). For these reasons, this variant has been classified as Pathogenic.

Centro Nacional de Genética Medica, Administración Nacional de Laboratorios e Institutos de Salud (ANLIS) “Dr. Carlos G Malbrán”
Classification: Pathogenic for Oculocutaneous albinism type 3. Last evaluated: 2024-10-21. Review status: criteria provided, single submitter. Criteria: ACMG Guidelines, 2015. Collection method: clinical testing. Allele origin: germline. Affected: yes. Observed: 1 variant allele.
Comment: The nucleotide variant c.1057_1060del was found in apparent homozygosity in exon 5/8 of the canonical transcript NM_000550.3 of the TYRP1 gene. This deletion produces a protein-level change p.Asn353Valfs*31 (p.N353Vfs*31) that generates a frameshift involving the change of the amino acid Asparagine at position 353 to Valine, followed by a sequence of 31 aberrant amino acids and the appearance of a premature translation termination codon at position 31 downstream of the initial variant site. This type of variant generally results in the deletion of messenger RNA through the process of nonsense-mediated decay (NMD) (PMID: 16757948; PMID: 17352659). The gene is haploinsufficient, and because of this variant, there would be no translation and, therefore, a lack of protein (PVS1). Loss-of-function variants are known to be a mechanism of pathogenicity in this gene (70 pathogenic null variants reported in ClinVar). The variant is associated with an autosomal recessive inheritance pattern and has been reported in the literature in conjunction with another pathogenic variant (PM3). The variant found is very rare in population databases such as GnomAD, ExAc, and 1000 Genomes (PM2_Supporting) and has been reported as pathogenic in ClinVar (rs387906562) in relation to oculocutaneous albinism type 3 (OCA3) (OMIM #203290), an autosomal recessive disorder that affects melanin biosynthesis and leads to reduced pigmentation in the hair, skin, and eyes. The patient's phenotype is consistent with Oculocutaneous Albinism type 3 and the TYRP1 gene is closely related to the pathology (PP4).

Revvity Omics, Revvity
Classification: Likely pathogenic. Last evaluated: 2023-11-20. Review status: criteria provided, single submitter. Criteria: ACMG Guidelines, 2015. Collection method: clinical testing. Allele origin: germline.

GeneDx
Classification: Pathogenic. Last evaluated: 2023-06-22. Review status: criteria provided, single submitter. Criteria: GeneDx Variant Classification Process June 2021. Collection method: clinical testing. Allele origin: germline. Affected: yes.
Comment: Frameshift variant predicted to result in protein truncation or nonsense mediated decay in a gene for which loss-of-function is a known mechanism of disease; This variant is associated with the following publications: (PMID: 18821858, 19533799, 34426522, 31589614)

Blueprint Genetics
Classification: Pathogenic for TYRP1-related disorders. Last evaluated: 2023-05-26. Review status: criteria provided, single submitter. Criteria: ACMG Guidelines, 2015. Collection method: clinical testing. Allele origin: germline. Affected: yes. Observed: 5 variant alleles.

Fulgent Genetics
Classification: Pathogenic for Oculocutaneous albinism type 3; MELANESIAN BLOND HAIR. Last evaluated: 2021-11-04. Review status: criteria provided, single submitter. Criteria: ACMG Guidelines, 2015. Collection method: clinical testing. Allele origin: unknown.

Laboratory for Molecular Medicine, Mass General Brigham Personalized Medicine
Classification: Pathogenic for Oculocutaneous albinism type 3. Last evaluated: 2014-08-04. Review status: criteria provided, single submitter. Criteria: LMM Criteria. Collection method: clinical testing. Allele origin: germline. Inheritance: Autosomal recessive inheritance. Observed: 1 variant allele. Study: CSER-MedSeq.
Comment: The Asn353ValfsX31 variant was not identified in large population studies. This frameshift variant is predicted to alter the protein’s amino acid sequence beginning at position 353 and lead to a premature termination codon 31 amino acids downstream. This alteration is then predicted to lead to a truncated or absent protein. _x000D_In summary, this variant meets our criteria to be classified as pathogenic for oculocutaneous albinism type III acting in a recessive manner.

OMIM
Classification: Pathogenic for ALBINISM, OCULOCUTANEOUS, TYPE III. Last evaluated: 2009-07-01. Review status: no assertion criteria provided. Collection method: literature only. Allele origin: germline. Not counted in ClinVar's aggregate classification.

Clinical Genetics DNA and cytogenetics Diagnostics Lab, Erasmus MC, Erasmus Medical Center
Classification: Pathogenic. Review status: no assertion criteria provided. Collection method: clinical testing. Allele origin: germline. Affected: yes. Study: VKGL Data-share Consensus. Not counted in ClinVar's aggregate classification.

Clinical Genetics, Academic Medical Center
Classification: Likely pathogenic. Review status: no assertion criteria provided. Collection method: clinical testing. Allele origin: germline. Affected: yes. Study: VKGL Data-share Consensus. Not counted in ClinVar's aggregate classification.

Literature cited by the submitters: PubMed 8651291 (cited by Labcorp Genetics (formerly Invitae), Labcorp); PubMed 9345097 (cited by Labcorp Genetics (formerly Invitae), Labcorp); PubMed 18821858 (cited by Labcorp Genetics (formerly Invitae), Labcorp and Laboratory for Molecular Medicine, Mass General Brigham Personalized Medicine); PubMed 19533799 (cited by Labcorp Genetics (formerly Invitae), Labcorp and OMIM); PubMed 16757948 (cited by Centro Nacional de Genética Medica, Administración Nacional de Laboratorios e Institutos de Salud (ANLIS) “Dr. Carlos G Malbrán”); PubMed 17352659 (cited by Centro Nacional de Genética Medica, Administración Nacional de Laboratorios e Institutos de Salud (ANLIS) “Dr. Carlos G Malbrán”).

NM_000550.3(TYRP1):c.1057_1060del (p.Asn353fs)

Genes: LURAP1L-AS1 (LURAP1L antisense RNA 1; minus strand), TYRP1 (tyrosinase related protein 1; plus strand). Cytogenetic location: 9p23.
Variant type: Deletion.
Coding change: c.1057_1060del on transcript NM_000550.3 (MANE Select); coding-DNA positions 1057 to 1060, 4 bases deleted (AACA; older notation c.1057_1060delAACA).
Protein change: p.Asn353fs; shifts the reading frame from asparagine 353.
Molecular consequence: frameshift variant.
Genome position (GRCh38, 1-based): chr9:12,702,414-12,702,417, AACA deleted; deleting any 4 consecutive bases within chr9:12,702,411-12,702,417 gives the same sequence; the c. name uses the placement nearest the transcript's 3' end. VCF-style (leftmost placement, unchanged base first): chr9-12702410-TACAA-T. GRCh37 (hg19) VCF-style: chr9-12702410-TACAA-T.
Other names: c.1057_1060del; p.Asn353Valfs*31; p.N353fs; c.1057_1060del (NM_000550.2); short protein forms N353fs.
Identifiers: ClinVar variation 17598 (VCV000017598.24), dbSNP rs387906562, ClinGen allele CA127298.